The following is an entry in ClinVar:

ClinVar aggregate classification (germline): Benign. Review status: criteria provided, multiple submitters, no conflicts (2 of 4 stars). 2 submissions from 2 submitters: Benign (2). Last evaluated 2018-01-13.

Conditions:
Congenital defect of folate absorption. Also called: Hereditary Folate Malabsorption. Identifiers: Orphanet 90045, MedGen C0342705, MONDO:0009238, OMIM 229050.

Allele frequency attached by ClinVar (database versions not stated): gnomAD exomes 0.54167; gnomAD 0.58189 and 0.58254; TOPMed 0.60310; 1000 Genomes Project 0.60523; 1000 Genomes Project 30x 0.61196.
gnomAD v4.1: 88,623 of 152,094 alleles (58%); highest among the groups gnomAD compares: East Asian, 72%; 26,174 homozygotes.

Submissions (2):

Illumina Laboratory Services, Illumina
Classification: Benign for Congenital defect of folate absorption. Last evaluated: 2018-01-13. Review status: criteria provided, single submitter. Criteria: ICSL Variant Classification Criteria 13 December 2019. Collection method: clinical testing. Allele origin: germline.
Comment: This variant was observed in the ICSL laboratory as part of a predisposition screen in an ostensibly healthy population. It had not been previously curated by ICSL or reported in the Human Gene Mutation Database (HGMD: prior to June 1st, 2018), and was therefore a candidate for classification through an automated scoring system. Utilizing variant allele frequency, disease prevalence and penetrance estimates, and inheritance mode, an automated score was calculated to assess if this variant is too frequent to cause the disease. Based on the score and internal cut-off values, a variant classified as benign is not then subjected to further curation. The score for this variant resulted in a classification of benign for this disease.

Breakthrough Genomics
Classification: Benign. Review status: criteria provided, single submitter. Criteria: ACMG Guidelines, 2015. Collection method: not provided. Allele origin: germline. Inheritance: Autosomal recessive inheritance. Affected: yes.

NM_080669.6(SLC46A1):c.*1407C>T

Genes: SARM1 (sterile alpha and TIR motif containing 1; plus strand), SLC46A1 (solute carrier family 46 member 1; minus strand). Cytogenetic location: 17q11.2.
Variant type: single nucleotide variant.
Coding change: c.*1407C>T on transcript NM_080669.6 (MANE Select); 1407 bases downstream of the stop codon, C replaced by T.
Molecular consequence: 3 prime UTR variant.
Genome position (GRCh38, 1-based): chr17:28,398,249, G>A on the plus strand (C>T on the coding strand, the complement: SLC46A1 is on the minus strand). VCF-style: chr17-28398249-G-A. GRCh37 (hg19) VCF-style: chr17-26725265-G-A.
Other names: c.*1407C>T (NM_001242366.3); c.*1963G>A (NM_015077.4).
Identifiers: ClinVar variation 322384 (VCV000322384.6), dbSNP rs2239908, ClinGen allele CA10648875.
Genomic context (GRCh38, chr17:28,398,249, plus strand): 5'-TCCAATCAGTCCCACTCCCTCCTGAGGTCCCCAAGGGCAGTATTCAGAGAGGTTTCCTGC[G>A]TTTTATTTCTATTTGGTATACCCTCCACTGTTGTCCACTGCCCTGTGTGGCCTTCTGGTT-3'